The following is an entry in ClinVar:

NM_002181.4(IHH):c.1051G>A (p.Val351Met)

Gene: IHH (Indian hedgehog signaling molecule; minus strand). Cytogenetic location: 2q35.
Variant type: single nucleotide variant.
Coding change: c.1051G>A on transcript NM_002181.4 (MANE Select); coding-DNA position 1051, G replaced by A.
Protein change: p.Val351Met; replaces valine 351 with methionine.
Molecular consequence: missense variant.
Genome position (GRCh38, 1-based): chr2:219,055,392, C>T on the plus strand (G>A on the coding strand, the complement: IHH is on the minus strand). VCF-style: chr2-219055392-C-T. GRCh37 (hg19) VCF-style: chr2-219920114-C-T.
Other names: short protein forms V351M.
Identifiers: ClinVar variation 290782 (VCV000290782.17), dbSNP rs143959492, ClinGen allele CA2116541.
Genomic context (GRCh38, chr2:219,055,392, plus strand): 5'-CCAAGCTGTGAAAGAGTCTCAGGGGCCAGAAGGCCAACTGAGCCAGGTGGTGGTCAGCCA[C>T]GGCCGCGAAGCAGGATGCCACCACATCCTCCACCACCAGTGTCCCATGCTTTGTGAGCGG-3'
Protein context (NP_002172.2, residues 341-361): EDVVASCFAA[Val351Met]ADHHLAQLAF

ClinVar aggregate classification (germline): Conflicting classifications of pathogenicity. Review status: criteria provided, conflicting classifications (1 of 4 stars). 4 submissions from 4 submitters: Uncertain significance (1); Benign (1); Likely benign (1). 1 of the submissions does not count toward it. Last evaluated 2025-12-26.

Conditions:
IHH-related disorder. Also called: IHH-related condition.

Allele frequency attached by ClinVar (database versions not stated): gnomAD exomes 0.00015 and 0.00043; ExAC 0.00059; 1000 Genomes Project 0.00100; 1000 Genomes Project 30x 0.00141; gnomAD 0.00162 and 0.00174; TOPMed 0.00190; ESP Exome Variant Server 0.00208.

Submissions (4):

Labcorp Genetics (formerly Invitae), Labcorp
Classification: Benign. Last evaluated: 2025-12-26. Review status: criteria provided, single submitter. Criteria: Invitae Variant Classification Sherloc (09022015). Collection method: clinical testing. Allele origin: germline.

Blueprint Genetics
Classification: Likely benign. Last evaluated: 2024-08-23. Review status: criteria provided, single submitter. Criteria: ACMG Guidelines, 2015. Collection method: clinical testing. Allele origin: germline.

Eurofins Ntd Llc (ga)
Classification: Uncertain significance. Last evaluated: 2016-09-02. Review status: criteria provided, single submitter. Criteria: EGL Classification Definitions 2015. Collection method: clinical testing. Allele origin: germline. Observed: 1 variant allele, 1 heterozygote.

PreventionGenetics, part of Exact Sciences
Classification: Likely benign for IHH-related condition. Last evaluated: 2019-10-16. Review status: no assertion criteria provided. Collection method: clinical testing. Allele origin: germline. Not counted in ClinVar's aggregate classification.
Comment: This variant is classified as likely benign based on ACMG/AMP sequence variant interpretation guidelines (Richards et al. 2015 PMID: 25741868, with internal and published modifications).